The following is an entry in ClinVar:

NM_001369268.1(ACAN):c.633C>A (p.Tyr211Ter)

Gene: ACAN (aggrecan; plus strand). Cytogenetic location: 15q26.1.
Variant type: single nucleotide variant.
Coding change: c.633C>A on transcript NM_001369268.1 (MANE Select); coding-DNA position 633, C replaced by A.
Protein change: p.Tyr211Ter; replaces tyrosine 211 with a stop codon.
Molecular consequence: nonsense.
Genome position (GRCh38, 1-based): chr15:88,841,743, C>A. VCF-style: chr15-88841743-C-A. GRCh37 (hg19) VCF-style: chr15-89384974-C-A.
Other names: c.633C>A, p.Tyr211Ter (NM_001135.4, NM_001411096.1, NM_001411097.1 and 1 more transcripts); short protein forms Y211*.
Identifiers: ClinVar variation 2027279 (VCV002027279.4), dbSNP rs1275876003, ClinGen allele CA393705290.

ClinVar aggregate classification (germline): Pathogenic (1 of 4 stars; one submission).

Submission:

Labcorp Genetics (formerly Invitae), Labcorp
Classification: Pathogenic. Last evaluated: 2025-06-09. Review status: criteria provided, single submitter. Criteria: Invitae Variant Classification Sherloc (09022015). Collection method: clinical testing. Allele origin: germline.
Comment: This sequence change creates a premature translational stop signal (p.Tyr211*) in the ACAN gene. It is expected to result in an absent or disrupted protein product. Loss-of-function variants in ACAN are known to be pathogenic (PMID: 16080123, 24762113). This variant is not present in population databases (gnomAD no frequency). This variant has not been reported in the literature in individuals affected with ACAN-related conditions. ClinVar contains an entry for this variant (Variation ID: 2027279). For these reasons, this variant has been classified as Pathogenic.

Literature cited by the submitters: PubMed 16080123; PubMed 24762113.